The following is an entry in ClinVar:

ClinVar aggregate classification (germline): Uncertain significance (1 of 4 stars; one submission).

gnomAD v4.1: 8 of 1,613,920 alleles (0.0005%); highest among the groups gnomAD compares: Non-Finnish European, 0.00068%; no homozygotes.

Submission:

Ambry Genetics
Classification: Uncertain significance. Last evaluated: 2025-12-14. Review status: criteria provided, single submitter. Criteria: Ambry Variant Classification Scheme 2023. Collection method: clinical testing. Allele origin: germline.
Comment: The c.10C>T (p.P4S) alteration is located in exon 1 (coding exon 1) of the SHQ1 gene. This alteration results from a C to T substitution at nucleotide position 10, causing the proline (P) at amino acid position 4 to be replaced by a serine (S). Based on data from gnomAD, the T allele has an overall frequency of <0.001% (1/249788) total alleles studied. The highest observed frequency was 0.001% (1/112382) of European (non-Finnish) alleles. This amino acid position is highly conserved in available vertebrate species. This alteration is predicted to be deleterious by in silico analysis. Based on insufficient or conflicting evidence, the clinical significance of this alteration remains unclear.

NM_018130.3(SHQ1):c.10C>T (p.Pro4Ser)

Gene: SHQ1 (SHQ1, H/ACA ribonucleoprotein assembly factor; minus strand). Cytogenetic location: 3p13.
Variant type: single nucleotide variant.
Coding change: c.10C>T on transcript NM_018130.3 (MANE Select); coding-DNA position 10, C replaced by T.
Protein change: p.Pro4Ser; replaces proline 4 with serine.
Molecular consequence: missense variant.
Genome position (GRCh38, 1-based): chr3:72,848,331, G>A on the plus strand (C>T on the coding strand, the complement: SHQ1 is on the minus strand). VCF-style: chr3-72848331-G-A. GRCh37 (hg19) VCF-style: chr3-72897482-G-A.
Other names: short protein forms P4S.
Identifiers: ClinVar variation 4583629 (VCV004583629.1).
Genomic context (GRCh38, chr3:72,848,331, plus strand): 5'-CGTAGGGCACGCGGATGGCGATAGTCAGGAAGTCCGGATCCTGGCTGAGGTCGAACGCCG[G>A]GGTCAGCATCGCCGCACCGGACGCAAGGGCCGGCGCCGCTCGCTCTCACTGCCGCCGCGT-3'
Protein context (NP_060600.2, residues 1-14): MLT[Pro4Ser]AFDLSQDPDF